The following is an entry in ClinVar:

ClinVar aggregate classification (germline): Uncertain significance. Review status: criteria provided, multiple submitters, no conflicts (2 of 4 stars). 2 submissions from 2 submitters: Uncertain significance (2). Last evaluated 2024-12-04.

Allele frequency attached by ClinVar (database versions not stated): gnomAD 0.00001; gnomAD exomes 0.00001; ExAC 0.00002; TOPMed 0.00002.
gnomAD v4.1: 11 of 1,614,074 alleles (0.00068%); highest among the groups gnomAD compares: Admixed American, 0.01%; no homozygotes.

Submissions (2):

Ambry Genetics
Classification: Uncertain significance. Last evaluated: 2024-12-04. Review status: criteria provided, single submitter. Criteria: Ambry Variant Classification Scheme 2023. Collection method: clinical testing. Allele origin: germline.

Labcorp Genetics (formerly Invitae), Labcorp
Classification: Uncertain significance. Last evaluated: 2024-11-08. Review status: criteria provided, single submitter. Criteria: Invitae Variant Classification Sherloc (09022015). Collection method: clinical testing. Allele origin: germline.
Comment: This sequence change replaces arginine, which is basic and polar, with cysteine, which is neutral and slightly polar, at codon 424 of the DSCAML1 protein (p.Arg424Cys). This variant is present in population databases (rs766124348, gnomAD 0.009%). This variant has not been reported in the literature in individuals affected with DSCAML1-related conditions. ClinVar contains an entry for this variant (Variation ID: 1926461). An algorithm developed to predict the effect of missense changes on protein structure and function (PolyPhen-2) suggests that this variant is likely to be disruptive. In summary, the available evidence is currently insufficient to determine the role of this variant in disease. Therefore, it has been classified as a Variant of Uncertain Significance.

NM_020693.4(DSCAML1):c.1090C>T (p.Arg364Cys)

Gene: DSCAML1 (DS cell adhesion molecule like 1; minus strand). Cytogenetic location: 11q23.3.
Variant type: single nucleotide variant.
Coding change: c.1090C>T on transcript NM_020693.4 (MANE Select); coding-DNA position 1090, C replaced by T.
Protein change: p.Arg364Cys; replaces arginine 364 with cysteine.
Molecular consequence: missense variant.
Genome position (GRCh38, 1-based): chr11:117,521,253, G>A on the plus strand (C>T on the coding strand, the complement: DSCAML1 is on the minus strand). VCF-style: chr11-117521253-G-A. GRCh37 (hg19) VCF-style: chr11-117391968-G-A.
Other names: c.1090C>T, p.Arg364Cys (NM_001367904.1); c.682C>T, p.Arg228Cys (NM_001367905.1); c.1270C>T (NM_020693.2); short protein forms R228C, R364C.
Identifiers: ClinVar variation 1926461 (VCV001926461.6), dbSNP rs766124348, ClinGen allele CA6297371.